The following is an entry in ClinVar:

NM_006206.6(PDGFRA):c.1214A>C (p.Tyr405Ser)

Gene: PDGFRA (platelet derived growth factor receptor alpha; plus strand). Cytogenetic location: 4q12.
Variant type: single nucleotide variant.
Coding change: c.1214A>C on transcript NM_006206.6 (MANE Select); coding-DNA position 1214, A replaced by C.
Protein change: p.Tyr405Ser; replaces tyrosine 405 with serine.
Molecular consequence: missense variant.
Genome position (GRCh38, 1-based): chr4:54,270,725, A>C. VCF-style: chr4-54270725-A-C. GRCh37 (hg19) VCF-style: chr4-55136892-A-C.
Other names: c.1214A>C, p.Tyr405Ser (NM_001347827.2, NM_001347829.2); c.1289A>C, p.Tyr430Ser (NM_001347828.2); c.1253A>C, p.Tyr418Ser (NM_001347830.2); short protein forms Y418S, Y405S, Y430S.
Identifiers: ClinVar variation 2771175 (VCV002771175.3), dbSNP rs1553903757, ClinGen allele CA356892071.

ClinVar aggregate classification (germline): Uncertain significance (1 of 4 stars; one submission).

Conditions:
Gastrointestinal stromal tumor. Also called: Gastrointestinal stromal tumor, somatic; Gastrointestinal stroma tumor. Identifiers: Orphanet 44890, MedGen C0238198, MeSH D046152, MONDO:0011719, OMIM 606764, HP:0100723.

Submission:

Labcorp Genetics (formerly Invitae), Labcorp
Classification: Uncertain significance for Gastrointestinal stromal tumor. Last evaluated: 2023-10-23. Review status: criteria provided, single submitter. Criteria: Invitae Variant Classification Sherloc (09022015). Collection method: clinical testing. Allele origin: germline.
Comment: This sequence change replaces tyrosine, which is neutral and polar, with serine, which is neutral and polar, at codon 405 of the PDGFRA protein (p.Tyr405Ser). This variant is not present in population databases (gnomAD no frequency). This variant has not been reported in the literature in individuals affected with PDGFRA-related conditions. Advanced modeling of protein sequence and biophysical properties (such as structural, functional, and spatial information, amino acid conservation, physicochemical variation, residue mobility, and thermodynamic stability) performed at Invitae indicates that this missense variant is not expected to disrupt PDGFRA protein function. In summary, the available evidence is currently insufficient to determine the role of this variant in disease. Therefore, it has been classified as a Variant of Uncertain Significance.